The following is an entry in ClinVar:

NM_000179.3(MSH6):c.1602C>T (p.Asn534=)

Gene: MSH6 (mutS homolog 6; plus strand). Cytogenetic location: 2p16.3.
Variant type: single nucleotide variant.
Coding change: c.1602C>T on transcript NM_000179.3 (MANE Select); coding-DNA position 1602, C replaced by T.
Protein change: p.Asn534=; no amino-acid change (asparagine 534 retained).
Molecular consequence: synonymous variant.
Genome position (GRCh38, 1-based): chr2:47,799,585, C>T. VCF-style: chr2-47799585-C-T. GRCh37 (hg19) VCF-style: chr2-48026724-C-T.
Other names: c.1602C>T (NM_000179.2); c.1212C>T, p.Asn404= (NM_001281492.2); c.696C>T, p.Asn232= (NM_001281493.2, NM_001281494.2).
Identifiers: ClinVar variation 1580052 (VCV001580052.11), dbSNP rs763712971, ClinGen allele CA426121401.

ClinVar aggregate classification (germline): Benign/Likely benign. Review status: criteria provided, multiple submitters, no conflicts (2 of 4 stars). 3 submissions from 3 submitters: Benign (1); Likely benign (2). Last evaluated 2024-12-27.

Conditions:
Hereditary nonpolyposis colorectal neoplasms. Identifiers: MedGen C0009405, MeSH D003123.
Hereditary cancer-predisposing syndrome. Also called: Tumor predisposition; Neoplastic Syndromes, Hereditary; Hereditary Cancer Syndrome; Hereditary neoplastic syndrome. Identifiers: Orphanet 140162, MedGen C0027672, MeSH D009386, MONDO:0015356.
Lynch syndrome 5 (LYNCH5). Also called: Colorectal cancer, hereditary nonpolyposis, type 5; Hereditary non-polyposis colorectal cancer, type 5. Identifiers: Orphanet 144, MedGen C1833477, MONDO:0013710, OMIM 614350. Disease mechanism: loss of function.

Allele frequency attached by ClinVar (database versions not stated): gnomAD exomes 0.00001.
gnomAD v4.1: 2 of 1,614,170 alleles (0.00012%); highest among the groups gnomAD compares: Admixed American, 0.0033%; no homozygotes.

Submissions (3):

Myriad Genetics, Inc.
Classification: Benign for Lynch syndrome 5. Last evaluated: 2024-12-27. Review status: criteria provided, single submitter. Criteria: Myriad Autosomal Dominant, Autosomal Recessive and X-Linked Classification Criteria (2023). Collection method: clinical testing. Allele origin: unknown.
Comment: This variant is considered benign. This variant is a silent/synonymous amino acid change and it is not expected to impact splicing.

Ambry Genetics
Classification: Likely benign for Hereditary cancer-predisposing syndrome. Last evaluated: 2023-02-17. Review status: criteria provided, single submitter. Criteria: Ambry Variant Classification Scheme 2023. Collection method: clinical testing. Allele origin: germline.

Labcorp Genetics (formerly Invitae), Labcorp
Classification: Likely benign for Hereditary nonpolyposis colorectal neoplasms. Last evaluated: 2021-08-24. Review status: criteria provided, single submitter. Criteria: Invitae Variant Classification Sherloc (09022015). Collection method: clinical testing. Allele origin: germline.